The following is an entry in ClinVar:

NC_000010.10:g.(?_13320301)_(13325859_?)del

Gene: PHYH (phytanoyl-CoA 2-hydroxylase; minus strand). Cytogenetic location: 10p13.
Variant type: Deletion.
Identifiers: ClinVar variation 3244983 (VCV003244983.1).

ClinVar aggregate classification (germline): Pathogenic (1 of 4 stars; one submission).

Submission:

Labcorp Genetics (formerly Invitae), Labcorp
Classification: Pathogenic. Last evaluated: 2024-01-04. Review status: criteria provided, single submitter. Criteria: Invitae Variant Classification Sherloc (09022015). Collection method: clinical testing. Allele origin: unknown.
Comment: This variant is a gross deletion of the genomic region encompassing exon(s) 7-9 of the PHYH gene, which includes the termination codon. This deletion extends beyond the assayed region for this gene and therefore may encompass additional genes. While this deletion is not anticipated to lead to nonsense mediated decay, it is expected to alter mRNA translation or result in a truncated protein product. This variant has not been reported in the literature in individuals affected with PHYH-related conditions. This variant disrupts a region of the PHYH protein in which other variant(s) (p.Arg275Trp) have been determined to be pathogenic (PMID: 1155634, 9657395, 10767344, 28041643). This suggests that this is a clinically significant region of the protein, and that variants that disrupt it are likely to be disease-causing. For these reasons, this variant has been classified as Pathogenic.

Literature cited by the submitters: PubMed 1155634; PubMed 9657395; PubMed 10767344; PubMed 28041643.